The following is an entry in ClinVar:

ClinVar aggregate classification (germline): Uncertain significance (1 of 4 stars; one submission).

Conditions:
RASopathy. Also called: Noonan spectrum disorder; rasopathies. Identifiers: Orphanet 536391, MedGen C5555857, MONDO:0021060.

Submission:

Labcorp Genetics (formerly Invitae), Labcorp
Classification: Uncertain significance for RASopathy. Last evaluated: 2021-02-23. Review status: criteria provided, single submitter. Criteria: Invitae Variant Classification Sherloc (09022015). Collection method: clinical testing. Allele origin: germline.
Comment: This variant is not present in population databases (ExAC no frequency). In summary, the available evidence is currently insufficient to determine the role of this variant in disease. Therefore, it has been classified as a Variant of Uncertain Significance. Advanced modeling of protein sequence and biophysical properties (such as structural, functional, and spatial information, amino acid conservation, physicochemical variation, residue mobility, and thermodynamic stability) performed at Invitae indicates that this missense variant is expected to disrupt PTPN11 protein function. This variant has not been reported in the literature in individuals with PTPN11-related conditions. This sequence change replaces aspartic acid with tyrosine at codon 340 of the PTPN11 protein (p.Asp340Tyr). The aspartic acid residue is highly conserved and there is a large physicochemical difference between aspartic acid and tyrosine.

NM_002834.5(PTPN11):c.1018G>T (p.Asp340Tyr)

Gene: PTPN11 (protein tyrosine phosphatase non-receptor type 11; plus strand). Cytogenetic location: 12q24.13.
Variant type: single nucleotide variant.
Coding change: c.1018G>T on transcript NM_002834.5 (MANE Select); coding-DNA position 1018, G replaced by T.
Protein change: p.Asp340Tyr; replaces aspartic acid 340 with tyrosine.
Molecular consequence: missense variant.
Genome position (GRCh38, 1-based): chr12:112,477,941, G>T. VCF-style: chr12-112477941-G-T. GRCh37 (hg19) VCF-style: chr12-112915745-G-T.
Other names: c.1018G>T, p.Asp340Tyr (NM_001330437.2, NM_080601.3); c.1015G>T, p.Asp339Tyr (NM_001374625.1); short protein forms D339Y, D340Y.
Identifiers: ClinVar variation 1408698 (VCV001408698.8), dbSNP rs2135901995, ClinGen allele CA386791440.
Genomic context (GRCh38, chr12:112,477,941, plus strand): 5'-AATTCAAAGCCCAAAAAGAGTTACATTGCCACACAAGGCTGCCTGCAAAACACGGTGAAT[G>T]ACTTTTGGCGGATGGTGTTCCAAGAAAACTCCCGAGTGATTGTCATGACAACGAAAGAAG-3'
Protein context (NP_002825.3, residues 330-350): TQGCLQNTVN[Asp340Tyr]FWRMVFQENS